The following is an entry in ClinVar:

NM_001164665.2(KIAA1549):c.1592C>T (p.Pro531Leu)

Gene: KIAA1549 (KIAA1549; minus strand). Cytogenetic location: 7q34.
Variant type: single nucleotide variant.
Coding change: c.1592C>T on transcript NM_001164665.2 (MANE Select); coding-DNA position 1592, C replaced by T.
Protein change: p.Pro531Leu; replaces proline 531 with leucine.
Molecular consequence: missense variant.
Genome position (GRCh38, 1-based): chr7:138,918,034, G>A on the plus strand (C>T on the coding strand, the complement: KIAA1549 is on the minus strand). VCF-style: chr7-138918034-G-A. GRCh37 (hg19) VCF-style: chr7-138602780-G-A.
Other names: c.1592C>T, p.Pro531Leu (NM_020910.3); c.1592C>T (NM_001164665.1); short protein forms P531L.
Identifiers: ClinVar variation 1014013 (VCV001014013.8), dbSNP rs189593274, ClinGen allele CA4506677.
Genomic context (GRCh38, chr7:138,918,034, plus strand): 5'-GATGGCGTCACTTGGGTTTCAGCAACAGACAAGGAGCCAGCAGTAGGATCAAGTGACGCC[G>A]GCACAGAGAGGCGGCCGTGGGCAGGGGGAACCTGTGTGGTTGTAACACTACTCATATCCA-3'
Protein context (NP_001158137.1, residues 521-541): VPPAHGRLSV[Pro531Leu]ASLDPTAGSL

ClinVar aggregate classification (germline): Conflicting classifications of pathogenicity. Review status: criteria provided, conflicting classifications (1 of 4 stars). 3 submissions from 3 submitters: Uncertain significance (2); Likely benign (1). Last evaluated 2024-11-10.

Conditions:
Inborn genetic diseases. Identifiers: MedGen C0950123, MeSH D030342.

Allele frequency attached by ClinVar (database versions not stated): gnomAD exomes 0.00005; ExAC 0.00006; gnomAD 0.00009; TOPMed 0.00012; 1000 Genomes Project 30x 0.00016; 1000 Genomes Project 0.00020.
gnomAD v4.1: 168 of 1,610,060 alleles (0.01%); highest among the groups gnomAD compares: African/African-American, 0.02%; no homozygotes.

Submissions (3):

Ambry Genetics
Classification: Uncertain significance for Inborn genetic diseases. Last evaluated: 2024-11-10. Review status: criteria provided, single submitter. Criteria: Ambry Variant Classification Scheme 2023. Collection method: clinical testing. Allele origin: germline.

Blueprint Genetics
Classification: Likely benign. Last evaluated: 2024-11-01. Review status: criteria provided, single submitter. Criteria: ACMG Guidelines, 2015. Collection method: clinical testing. Allele origin: germline.

Labcorp Genetics (formerly Invitae), Labcorp
Classification: Uncertain significance. Last evaluated: 2024-04-24. Review status: criteria provided, single submitter. Criteria: Invitae Variant Classification Sherloc (09022015). Collection method: clinical testing. Allele origin: germline.
Comment: This sequence change replaces proline, which is neutral and non-polar, with leucine, which is neutral and non-polar, at codon 531 of the KIAA1549 protein (p.Pro531Leu). This variant is present in population databases (rs189593274, gnomAD 0.04%). This variant has not been reported in the literature in individuals affected with KIAA1549-related conditions. ClinVar contains an entry for this variant (Variation ID: 1014013). An algorithm developed to predict the effect of missense changes on protein structure and function (PolyPhen-2) suggests that this variant¬†is likely to be tolerated. In summary, the available evidence is currently insufficient to determine the role of this variant in disease. Therefore, it has been classified as a Variant of Uncertain Significance.